The following is an entry in ClinVar:

NM_133261.3(GIPC3):c.826G>A (p.Ala276Thr)

Gene: GIPC3 (GIPC PDZ domain containing family member 3; plus strand). Cytogenetic location: 19p13.3.
Variant type: single nucleotide variant.
Coding change: c.826G>A on transcript NM_133261.3 (MANE Select); coding-DNA position 826, G replaced by A.
Protein change: p.Ala276Thr; replaces alanine 276 with threonine.
Molecular consequence: missense variant.
Genome position (GRCh38, 1-based): chr19:3,590,077, G>A. VCF-style: chr19-3590077-G-A. GRCh37 (hg19) VCF-style: chr19-3590075-G-A.
Other names: short protein forms A276T.
Identifiers: ClinVar variation 804870 (VCV000804870.4), dbSNP rs779376305, ClinGen allele CA9080609.

ClinVar aggregate classification (germline): Uncertain significance. Review status: criteria provided, multiple submitters, no conflicts (2 of 4 stars). 3 submissions from 3 submitters: Uncertain significance (3). Last evaluated 2026-03-09.

Conditions:
Inborn genetic diseases. Identifiers: MedGen C0950123, MeSH D030342.

Allele frequency attached by ClinVar (database versions not stated): gnomAD 0.00004 and 0.00003; gnomAD exomes 0.00005 and 0.00007; ExAC 0.00004; TOPMed 0.00008.

Submissions (3):

GeneDx
Classification: Uncertain significance. Last evaluated: 2026-03-09. Review status: criteria provided, single submitter. Criteria: GeneDx Variant Classification Process June 2021. Collection method: clinical testing. Allele origin: germline.
Comment: In silico analysis suggests that this missense variant does not alter protein structure/function; Has not been previously published as pathogenic or benign to our knowledge

Ambry Genetics
Classification: Uncertain significance for Inborn genetic diseases. Last evaluated: 2025-02-22. Review status: criteria provided, single submitter. Criteria: Ambry Variant Classification Scheme 2023. Collection method: clinical testing. Allele origin: germline.

Athena Diagnostics
Classification: Uncertain significance. Last evaluated: 2018-11-09. Review status: criteria provided, single submitter. Criteria: Athena Diagnostics Criteria. Collection method: clinical testing. Allele origin: germline.